The following is an entry in ClinVar:

ClinVar aggregate classification (germline): Uncertain significance (1 of 4 stars; one submission).

Conditions:
Autosomal recessive limb-girdle muscular dystrophy type 2W (MDRCMTT). Also called: Muscular dystrophy, autosomal recessive, with cardiomyopathy and triangular tongue; Muscular dystrophy, limb-girdle, type 2W. Identifiers: MedGen C4225192, MONDO:0014788, OMIM 616827.

gnomAD v4.1: 42 of 1,613,802 alleles (0.0026%); highest among the groups gnomAD compares: Non-Finnish European, 0.0033%; no homozygotes.

Submission:

Labcorp Genetics (formerly Invitae), Labcorp
Classification: Uncertain significance for Autosomal recessive limb-girdle muscular dystrophy type 2W. Last evaluated: 2025-12-19. Review status: criteria provided, single submitter. Criteria: Invitae Variant Classification Sherloc (09022015). Collection method: clinical testing. Allele origin: germline.
Comment: This sequence change affects codon 79 of the LIMS2 mRNA. It is a 'silent' change, meaning that it does not change the encoded amino acid sequence of the LIMS2 protein. This variant also falls at the last nucleotide of exon 3, which is part of the consensus splice site for this exon. This variant is present in population databases (no rsID available, gnomAD 0.003%). This variant has not been reported in the literature in individuals affected with LIMS2-related conditions. Variants that disrupt the consensus splice site are a relatively common cause of aberrant splicing (PMID: 17576681, 9536098). Algorithms developed to predict the effect of sequence changes on RNA splicing suggest that this variant may disrupt the consensus splice site. In summary, the available evidence is currently insufficient to determine the role of this variant in disease. Therefore, it has been classified as a Variant of Uncertain Significance.

Literature cited by the submitters: PubMed 17576681; PubMed 9536098.

NM_001161403.3(LIMS2):c.171G>A (p.Glu57=)

Gene: LIMS2 (LIM zinc finger domain containing 2; minus strand). Cytogenetic location: 2q14.3.
Variant type: single nucleotide variant.
Coding change: c.171G>A on transcript NM_001161403.3 (MANE Select); coding-DNA position 171, G replaced by A.
Protein change: p.Glu57=; no amino-acid change (glutamic acid 57 retained).
Molecular consequence: synonymous variant.
Genome position (GRCh38, 1-based): chr2:127,657,403, C>T on the plus strand (G>A on the coding strand, the complement: LIMS2 is on the minus strand). VCF-style: chr2-127657403-C-T. GRCh37 (hg19) VCF-style: chr2-128414977-C-T.
Other names: c.237G>A, p.Glu79= (NM_001136037.4); c.156G>A, p.Glu52= (NM_001161404.2); c.243G>A, p.Glu81= (NM_017980.5).
Identifiers: ClinVar variation 4754926 (VCV004754926.1).